The following is an entry in ClinVar:

ClinVar aggregate classification (germline): Conflicting classifications of pathogenicity. Review status: criteria provided, conflicting classifications (1 of 4 stars). 4 submissions from 4 submitters: Likely pathogenic (1); Uncertain significance (1); Benign (1). 1 of the submissions does not count toward it. Last evaluated 2025-07-30.

Conditions:
CCDC170-related condition.
Estrogen resistance syndrome. Also called: Estrogen resistance; ESTROGEN INSENSITIVITY. Identifiers: Orphanet 785, MedGen C3809250, MONDO:0014148, OMIM 615363.

Allele frequency attached by ClinVar (database versions not stated): gnomAD exomes 0.30835 and 0.32472; gnomAD 0.35996 and 0.35689; TOPMed 0.36991; ESP Exome Variant Server 0.38024; 1000 Genomes Project 0.34944; ExAC 0.31718; 1000 Genomes Project 30x 0.35369.
gnomAD v4.1: 529,827 of 1,613,434 alleles (33%); highest among the groups gnomAD compares: African/African-American, 50%; 89,807 homozygotes.

Submissions (4):

Genomic Medicine Center of Excellence, King Faisal Specialist Hospital and Research Centre
Classification: Likely pathogenic for Estrogen resistance syndrome. Last evaluated: 2025-07-30. Review status: criteria provided, single submitter. Criteria: ACMG Guidelines, 2015. Collection method: clinical testing. Allele origin: germline.

Department of Pathology and Laboratory Medicine, Sinai Health System
Classification: Uncertain significance for CCDC170-related condition. Last evaluated: 2023-04-24. Review status: criteria provided, single submitter. Criteria: ACMG Guidelines, 2015. Collection method: research. Allele origin: germline.

H3Africa Consortium
Classification: Benign. Last evaluated: 2020-10-28. Review status: criteria provided, single submitter. Criteria: Choudhury A et al. (Nature 2020). Collection method: research. Allele origin: germline. Study: H3Africa.
Comment: While the frequency of the alternate allele in gnoMAD v2.0.2 is 0.51, its frequency in African populations is >5%. This suggests that previous classifications of this variant as pathogenic are in error.

Department of Breast and Endocrine Surgery, Kumamoto University
Classification: Likely pathogenic for Estrogen resistance. Last evaluated: 2014-03-01. Review status: no assertion criteria provided. Collection method: research. Allele origin: somatic. Affected: yes. Not counted in ClinVar's aggregate classification.

NM_025059.4(CCDC170):c.1810G>A (p.Val604Ile)

Genes: CCDC170 (coiled-coil domain containing 170; plus strand), LOC107986528 (uncharacterized LOC107986528; minus strand). Cytogenetic location: 6q25.1.
Variant type: single nucleotide variant.
Coding change: c.1810G>A on transcript NM_025059.4 (MANE Select); coding-DNA position 1810, G replaced by A.
Protein change: p.Val604Ile; replaces valine 604 with isoleucine.
Molecular consequence: missense variant.
Genome position (GRCh38, 1-based): chr6:151,615,542, G>A. VCF-style: chr6-151615542-G-A. GRCh37 (hg19) VCF-style: chr6-151936677-G-A.
Other names: short protein forms V604I.
Identifiers: ClinVar variation 155873 (VCV000155873.5), dbSNP rs6929137, ClinGen allele CA170714.